The following is an entry in ClinVar:

ClinVar aggregate classification (germline): Uncertain significance. Review status: criteria provided, multiple submitters, no conflicts (2 of 4 stars). 3 submissions from 3 submitters: Uncertain significance (3). Last evaluated 2026-01-05.

Conditions:
Keratoderma-ichthyosis-deafness syndrome, autosomal recessive (KDIDAR). Identifiers: MedGen C5774200, MONDO:0859278, OMIM 620009.
Cholestasis, progressive familial intrahepatic, 12 (PFIC12). Also called: CHOLESTASIS, ISOLATED LOW-GGT. Identifiers: MedGen C5774311, MONDO:0031040, OMIM 620010.
Arthrogryposis, renal dysfunction, and cholestasis 1 (ARCS1). Identifiers: Orphanet 2697, MedGen C1859722, MONDO:0008822, OMIM 208085.
VPS33B-related disorder. Also called: VPS33B-related condition.

Allele frequency attached by ClinVar (database versions not stated): ExAC 0.00001; gnomAD 0.00001; gnomAD exomes 0.00001; TOPMed 0.00002.

Submissions (3):

Labcorp Genetics (formerly Invitae), Labcorp
Classification: Uncertain significance. Last evaluated: 2026-01-05. Review status: criteria provided, single submitter. Criteria: Invitae Variant Classification Sherloc (09022015). Collection method: clinical testing. Allele origin: germline.
Comment: This sequence change replaces arginine, which is basic and polar, with glutamine, which is neutral and polar, at codon 306 of the VPS33B protein (p.Arg306Gln). This variant is present in population databases (rs200733204, gnomAD 0.004%). This variant has not been reported in the literature in individuals affected with VPS33B-related conditions. ClinVar contains an entry for this variant (Variation ID: 1488307). Invitae Evidence Modeling of protein sequence and biophysical properties (such as structural, functional, and spatial information, amino acid conservation, physicochemical variation, residue mobility, and thermodynamic stability) indicates that this missense variant is not expected to disrupt VPS33B protein function with a negative predictive value of 80%. In summary, the available evidence is currently insufficient to determine the role of this variant in disease. Therefore, it has been classified as a Variant of Uncertain Significance.

PreventionGenetics, part of Exact Sciences
Classification: Uncertain significance for VPS33B-related condition. Last evaluated: 2025-10-16. Review status: criteria provided, single submitter. Criteria: ACMG Guidelines, 2015. Collection method: clinical testing. Allele origin: germline.
Comment: The VPS33B c.917G>A variant is predicted to result in the amino acid substitution p.Arg306Gln. To our knowledge, this variant has not been reported in the literature. This variant is reported in 0.0046% of alleles in individuals of European (Finnish) descent in gnomAD. At this time, the clinical significance of this variant is uncertain due to the absence of conclusive functional and genetic evidence.

Fulgent Genetics
Classification: Uncertain significance for Arthrogryposis, renal dysfunction, and cholestasis 1; Keratoderma-ichthyosis-deafness syndrome, autosomal recessive; Cholestasis, progressive familial intrahepatic, 12. Last evaluated: 2024-04-15. Review status: criteria provided, single submitter. Criteria: ACMG Guidelines, 2015. Collection method: clinical testing. Allele origin: germline.

NM_018668.5(VPS33B):c.917G>A (p.Arg306Gln)

Gene: VPS33B (VPS33B late endosome and lysosome associated; minus strand). Cytogenetic location: 15q26.1.
Variant type: single nucleotide variant.
Coding change: c.917G>A on transcript NM_018668.5 (MANE Select); coding-DNA position 917, G replaced by A.
Protein change: p.Arg306Gln; replaces arginine 306 with glutamine.
Molecular consequence: missense variant.
Genome position (GRCh38, 1-based): chr15:91,005,995, C>T on the plus strand (G>A on the coding strand, the complement: VPS33B is on the minus strand). VCF-style: chr15-91005995-C-T. GRCh37 (hg19) VCF-style: chr15-91549225-C-T.
Other names: c.836G>A, p.Arg279Gln (NM_001289148.1); c.644G>A, p.Arg215Gln (NM_001289149.1); c.917G>A (NM_018668.4); short protein forms R279Q, R306Q, R215Q.
Identifiers: ClinVar variation 1488307 (VCV001488307.6), dbSNP rs200733204, ClinGen allele CA7744867.